The following is an entry in ClinVar:

ClinVar aggregate classification (germline): Uncertain significance. Review status: criteria provided, multiple submitters, no conflicts (2 of 4 stars). 4 submissions from 4 submitters: Uncertain significance (4). Last evaluated 2026-01-28.

Conditions:
Inborn genetic diseases. Identifiers: MedGen C0950123, MeSH D030342.
Bethlem myopathy 1A. Also called: Bethlem myopathy 1; MYOPATHY, BENIGN CONGENITAL, WITH CONTRACTURES; Bethlem Muscular Dystrophy. Identifiers: Orphanet 610, MedGen CN029274, MONDO:0024530, OMIM 158810.

Allele frequency attached by ClinVar (database versions not stated): gnomAD exomes below 0.00001; ExAC 0.00001; gnomAD 0.00001; TOPMed 0.00003; ESP Exome Variant Server 0.00008.
gnomAD v4.1: 16 of 1,612,832 alleles (0.00099%); highest among the groups gnomAD compares: East Asian, 0.011%; no homozygotes.

Submissions (4):

Labcorp Genetics (formerly Invitae), Labcorp
Classification: Uncertain significance for Bethlem myopathy 1A. Last evaluated: 2026-01-28. Review status: criteria provided, single submitter. Criteria: Invitae Variant Classification Sherloc (09022015). Collection method: clinical testing. Allele origin: germline.
Comment: This sequence change replaces proline, which is neutral and non-polar, with leucine, which is neutral and non-polar, at codon 562 of the COL6A2 protein (p.Pro562Leu). This variant is present in population databases (rs370775804, gnomAD 0.002%). This variant has not been reported in the literature in individuals affected with COL6A2-related conditions. ClinVar contains an entry for this variant (Variation ID: 283336). Invitae Evidence Modeling of protein sequence and biophysical properties (such as structural, functional, and spatial information, amino acid conservation, physicochemical variation, residue mobility, and thermodynamic stability) indicates that this missense variant is not expected to disrupt COL6A2 protein function with a negative predictive value of 80%. In summary, the available evidence is currently insufficient to determine the role of this variant in disease. Therefore, it has been classified as a Variant of Uncertain Significance.

Ambry Genetics
Classification: Uncertain significance for Inborn genetic diseases. Last evaluated: 2023-12-07. Review status: criteria provided, single submitter. Criteria: Ambry Variant Classification Scheme 2023. Collection method: clinical testing. Allele origin: germline.

GeneDx
Classification: Uncertain significance. Last evaluated: 2022-01-14. Review status: criteria provided, single submitter. Criteria: GeneDx Variant Classification Process June 2021. Collection method: clinical testing. Allele origin: germline. Affected: yes.
Comment: Not observed at significant frequency in large population cohorts (gnomAD); In silico analysis supports that this missense variant has a deleterious effect on protein structure/function; Has not been previously published as pathogenic or benign to our knowledge

Eurofins Ntd Llc (ga)
Classification: Uncertain significance. Last evaluated: 2016-12-19. Review status: criteria provided, single submitter. Criteria: EGL Classification Definitions 2015. Collection method: clinical testing. Allele origin: germline. Observed: 2 variant alleles, 2 heterozygotes.

NM_001849.4(COL6A2):c.1685C>T (p.Pro562Leu)

Gene: COL6A2 (collagen type VI alpha 2 chain; plus strand). Cytogenetic location: 21q22.3.
Variant type: single nucleotide variant.
Coding change: c.1685C>T on transcript NM_001849.4 (MANE Select); coding-DNA position 1685, C replaced by T.
Protein change: p.Pro562Leu; replaces proline 562 with leucine.
Molecular consequence: missense variant.
Genome position (GRCh38, 1-based): chr21:46,124,664, C>T. VCF-style: chr21-46124664-C-T. GRCh37 (hg19) VCF-style: chr21-47544578-C-T.
Other names: c.1685C>T, p.Pro562Leu (NM_058174.3, NM_058175.3); short protein forms P562L.
Identifiers: ClinVar variation 283336 (VCV000283336.15), dbSNP rs370775804, ClinGen allele CA10072115.